The following is an entry in ClinVar:

ClinVar aggregate classification (germline): Uncertain significance. Review status: criteria provided, multiple submitters, no conflicts (2 of 4 stars). 2 submissions from 2 submitters: Uncertain significance (2). Last evaluated 2025-04-02.

Submissions (2):

Ambry Genetics
Classification: Uncertain significance. Last evaluated: 2025-04-02. Review status: criteria provided, single submitter. Criteria: Ambry Variant Classification Scheme 2023. Collection method: clinical testing. Allele origin: germline.

Labcorp Genetics (formerly Invitae), Labcorp
Classification: Uncertain significance. Last evaluated: 2025-01-20. Review status: criteria provided, single submitter. Criteria: Invitae Variant Classification Sherloc (09022015). Collection method: clinical testing. Allele origin: germline.
Comment: This sequence change replaces cysteine, which is neutral and slightly polar, with tyrosine, which is neutral and polar, at codon 5419 of the HMCN1 protein (p.Cys5419Tyr). This variant is not present in population databases (gnomAD no frequency). This variant has not been reported in the literature in individuals affected with HMCN1-related conditions. An algorithm developed to predict the effect of missense changes on protein structure and function (PolyPhen-2) suggests that this variant is likely to be tolerated. In summary, the available evidence is currently insufficient to determine the role of this variant in disease. Therefore, it has been classified as a Variant of Uncertain Significance.

NM_031935.3(HMCN1):c.16256G>A (p.Cys5419Tyr)

Gene: HMCN1 (hemicentin 1; plus strand). Cytogenetic location: 1q31.1.
Variant type: single nucleotide variant.
Coding change: c.16256G>A on transcript NM_031935.3 (MANE Select); coding-DNA position 16256, G replaced by A.
Protein change: p.Cys5419Tyr; replaces cysteine 5419 with tyrosine.
Molecular consequence: missense variant.
Genome position (GRCh38, 1-based): chr1:186,178,728, G>A. VCF-style: chr1-186178728-G-A. GRCh37 (hg19) VCF-style: chr1-186147860-G-A.
Other names: c.16256G>A (NM_031935.2); short protein forms C5419Y.
Identifiers: ClinVar variation 3697577 (VCV003697577.3).